The following is an entry in ClinVar:

ClinVar aggregate classification (germline): Benign/Likely benign. Review status: criteria provided, multiple submitters, no conflicts (2 of 4 stars). 3 submissions from 3 submitters: Benign (1); Likely benign (1). 1 of the submissions does not count toward it. Last evaluated 2026-01-14.

Conditions:
GGCX-related disorder. Also called: GGCX-related condition; GGCX - Related Disorders.

Allele frequency attached by ClinVar (database versions not stated): TOPMed 0.00006; ESP Exome Variant Server 0.00008; gnomAD 0.00017; gnomAD exomes 0.00033; ExAC 0.00085; 1000 Genomes Project 30x 0.00125; 1000 Genomes Project 0.00160.

Submissions (3):

Labcorp Genetics (formerly Invitae), Labcorp
Classification: Benign. Last evaluated: 2026-01-14. Review status: criteria provided, single submitter. Criteria: Invitae Variant Classification Sherloc (09022015). Collection method: clinical testing. Allele origin: germline.

Blueprint Genetics
Classification: Likely benign. Last evaluated: 2024-11-26. Review status: criteria provided, single submitter. Criteria: ACMG Guidelines, 2015. Collection method: clinical testing. Allele origin: germline.

PreventionGenetics, part of Exact Sciences
Classification: Likely benign for GGCX-related condition. Last evaluated: 2020-06-01. Review status: no assertion criteria provided. Collection method: clinical testing. Allele origin: germline. Not counted in ClinVar's aggregate classification.
Comment: This variant is classified as likely benign based on ACMG/AMP sequence variant interpretation guidelines (Richards et al. 2015 PMID: 25741868, with internal and published modifications).

NM_000821.7(GGCX):c.1230C>T (p.His410=)

Gene: GGCX (gamma-glutamyl carboxylase; minus strand). Cytogenetic location: 2p11.2.
Variant type: single nucleotide variant.
Coding change: c.1230C>T on transcript NM_000821.7 (MANE Select); coding-DNA position 1230, C replaced by T.
Protein change: p.His410=; no amino-acid change (histidine 410 retained).
Molecular consequence: synonymous variant.
Genome position (GRCh38, 1-based): chr2:85,552,996, G>A on the plus strand (C>T on the coding strand, the complement: GGCX is on the minus strand). VCF-style: chr2-85552996-G-A. GRCh37 (hg19) VCF-style: chr2-85780119-G-A.
Other names: c.1059C>T, p.His353= (NM_001142269.4); c.1230C>T (NM_000821.6).
Identifiers: ClinVar variation 2745105 (VCV002745105.6), dbSNP rs199589190, ClinGen allele CA1741884.